The following is an entry in ClinVar:

ClinVar aggregate classification (germline): Uncertain significance (1 of 4 stars; one submission).

Allele frequency attached by ClinVar (database versions not stated): gnomAD 0.00001; gnomAD exomes 0.00001.
gnomAD v4.1: 15 of 1,613,974 alleles (0.00093%); highest among the groups gnomAD compares: Non-Finnish European, 0.0011%; no homozygotes.

Submission:

Labcorp Genetics (formerly Invitae), Labcorp
Classification: Uncertain significance. Last evaluated: 2024-09-16. Review status: criteria provided, single submitter. Criteria: Invitae Variant Classification Sherloc (09022015). Collection method: clinical testing. Allele origin: germline.
Comment: This sequence change replaces proline, which is neutral and non-polar, with leucine, which is neutral and non-polar, at codon 244 of the FLNB protein (p.Pro244Leu). This variant is present in population databases (rs140037128, gnomAD 0.004%). This variant has not been reported in the literature in individuals affected with FLNB-related conditions. ClinVar contains an entry for this variant (Variation ID: 1414705). Invitae Evidence Modeling of protein sequence and biophysical properties (such as structural, functional, and spatial information, amino acid conservation, physicochemical variation, residue mobility, and thermodynamic stability) indicates that this missense variant is not expected to disrupt FLNB protein function with a negative predictive value of 95%. In summary, the available evidence is currently insufficient to determine the role of this variant in disease. Therefore, it has been classified as a Variant of Uncertain Significance.

NM_001457.4(FLNB):c.731C>T (p.Pro244Leu)

Gene: FLNB (filamin B; plus strand). Cytogenetic location: 3p14.3.
Variant type: single nucleotide variant.
Coding change: c.731C>T on transcript NM_001457.4 (MANE Select); coding-DNA position 731, C replaced by T.
Protein change: p.Pro244Leu; replaces proline 244 with leucine.
Molecular consequence: missense variant.
Genome position (GRCh38, 1-based): chr3:58,081,720, C>T. VCF-style: chr3-58081720-C-T. GRCh37 (hg19) VCF-style: chr3-58067447-C-T.
Other names: c.731C>T, p.Pro244Leu (NM_001164317.2, NM_001164318.2, NM_001164319.2); short protein forms P244L.
Identifiers: ClinVar variation 1414705 (VCV001414705.8), dbSNP rs140037128, ClinGen allele CA2467605.
Genomic context (GRCh38, chr3:58,081,720, plus strand): 5'-ATGTGGACGAGCACTCAGTTATGACTTACCTGTCCCAGTTCCCCAAAGCCAAGCTCAAGC[C>T]GGGGGCTCCTCTCAAACCCAAACTCAACCCGAAGAAAGCCAGGGCCTATGGCAGAGGTGA-3'
Protein context (NP_001448.2, residues 234-254): LSQFPKAKLK[Pro244Leu]GAPLKPKLNP